The following is an entry in ClinVar:

NM_000059.4(BRCA2):c.9950T>A (p.Leu3317Gln)

Gene: BRCA2 (BRCA2 DNA repair associated; plus strand). Cytogenetic location: 13q13.1.
Variant type: single nucleotide variant.
Coding change: c.9950T>A on transcript NM_000059.4 (MANE Select); coding-DNA position 9950, T replaced by A.
Protein change: p.Leu3317Gln; replaces leucine 3317 with glutamine.
Molecular consequence: missense variant.
Genome position (GRCh38, 1-based): chr13:32,398,463, T>A. VCF-style: chr13-32398463-T-A. GRCh37 (hg19) VCF-style: chr13-32972600-T-A.
Other names: short protein forms L3317Q.
Identifiers: ClinVar variation 619824 (VCV000619824.6), dbSNP rs1566261221, ClinGen allele CA387767306.

ClinVar aggregate classification (germline): Uncertain significance. Review status: criteria provided, multiple submitters, no conflicts (2 of 4 stars). 3 submissions from 3 submitters: Uncertain significance (3). Last evaluated 2024-08-30.

Conditions:
Hereditary cancer-predisposing syndrome. Also called: Tumor predisposition; Hereditary Cancer Syndrome; Neoplastic Syndromes, Hereditary; Hereditary neoplastic syndrome. Identifiers: Orphanet 140162, MedGen C0027672, MeSH D009386, MONDO:0015356.
Hereditary breast ovarian cancer syndrome. Also called: BRCA1- and BRCA2-Associated Hereditary Breast and Ovarian Cancer; Hereditary breast and ovarian cancer syndrome; Hereditary breast and ovarian cancer; Hereditary breast and ovarian cancer syndrome (HBOC); Hereditary breast and/or ovarian cancer syndrome; Breast and ovarian cancer. Identifiers: Orphanet 145, MedGen C0677776, MeSH D061325, MONDO:0003582. Disease mechanism: loss of function.

Allele frequency attached by ClinVar (database versions not stated): gnomAD exomes below 0.00001; TOPMed below 0.00001.
gnomAD v4.1: 1 of 1,614,190 alleles (0.000062%); highest among the groups gnomAD compares: Non-Finnish European, 0.000085%; no homozygotes.

Submissions (3):

Labcorp Genetics (formerly Invitae), Labcorp
Classification: Uncertain significance for Hereditary breast ovarian cancer syndrome. Last evaluated: 2024-08-30. Review status: criteria provided, single submitter. Criteria: Invitae Variant Classification Sherloc (09022015). Collection method: clinical testing. Allele origin: germline.
Comment: This sequence change replaces leucine, which is neutral and non-polar, with glutamine, which is neutral and polar, at codon 3317 of the BRCA2 protein (p.Leu3317Gln). This variant is not present in population databases (gnomAD no frequency). This variant has not been reported in the literature in individuals affected with BRCA2-related conditions. ClinVar contains an entry for this variant (Variation ID: 619824). Invitae Evidence Modeling of protein sequence and biophysical properties (such as structural, functional, and spatial information, amino acid conservation, physicochemical variation, residue mobility, and thermodynamic stability) indicates that this missense variant is not expected to disrupt BRCA2 protein function with a negative predictive value of 95%. In summary, the available evidence is currently insufficient to determine the role of this variant in disease. Therefore, it has been classified as a Variant of Uncertain Significance.

Ambry Genetics
Classification: Uncertain significance for Hereditary cancer-predisposing syndrome. Last evaluated: 2024-08-27. Review status: criteria provided, single submitter. Criteria: Ambry Variant Classification Scheme 2023. Collection method: clinical testing. Allele origin: germline.
Comment: The p.L3317Q variant (also known as c.9950T>A), located in coding exon 26 of the BRCA2 gene, results from a T to A substitution at nucleotide position 9950. The leucine at codon 3317 is replaced by glutamine, an amino acid with dissimilar properties. This amino acid position is conserved. In addition, this alteration is predicted to be tolerated by in silico analysis. Based on the available evidence, the clinical significance of this variant remains unclear.

Quest Diagnostics Nichols Institute San Juan Capistrano
Classification: Uncertain significance. Last evaluated: 2018-02-13. Review status: criteria provided, single submitter. Criteria: Quest Diagnostics criteria. Collection method: clinical testing. Allele origin: germline.